The following is an entry in ClinVar:

NM_001145304.2(IQCN):c.706G>A (p.Ala236Thr)

Gene: IQCN (IQ motif containing N; minus strand). Cytogenetic location: 19p13.11.
Variant type: single nucleotide variant.
Coding change: c.706G>A on transcript NM_001145304.2 (MANE Select); coding-DNA position 706, G replaced by A.
Protein change: p.Ala236Thr; replaces alanine 236 with threonine.
Molecular consequence: missense variant.
Genome position (GRCh38, 1-based): chr19:18,266,834, C>T on the plus strand (G>A on the coding strand, the complement: IQCN is on the minus strand). VCF-style: chr19-18266834-C-T. GRCh37 (hg19) VCF-style: chr19-18377644-C-T.
Other names: c.568G>A, p.Ala190Thr (NM_001145305.2); c.706G>A, p.Ala236Thr (NM_025249.4); short protein forms A236T, A190T.
Identifiers: ClinVar variation 3110580 (VCV003110580.3), dbSNP rs772047998, ClinGen allele CA9309647.
Genomic context (GRCh38, chr19:18,266,834, plus strand): 5'-TTGCGTCCAGACTCACTGGGCAGGGAAATCTGATGGTGACCGTCTGGTGTGGCAGGAAGG[C>T]CAGCCCCCGGACTCTGGCAGCATGAGGACCCTGCACACAGGGCTCTGGGGTACCCTGAGC-3'
Protein context (NP_001138776.1, residues 226-246): GPHAARVRGL[Ala236Thr]FLPHQTVTIR

ClinVar aggregate classification (germline): Conflicting classifications of pathogenicity. Review status: criteria provided, conflicting classifications (1 of 4 stars). 2 submissions from 2 submitters: Uncertain significance (1); Likely benign (1). Last evaluated 2025-08-28.

Allele frequency attached by ClinVar (database versions not stated): gnomAD 0.00001; ExAC 0.00002; gnomAD exomes 0.00001.

Submissions (2):

Dasa
Classification: Uncertain significance. Last evaluated: 2025-08-28. Review status: criteria provided, single submitter. Criteria: DASA Assertion Criteria. Collection method: clinical testing. Allele origin: germline.
Comment: NM_001145304.2(IQCN):c.706G>A (p.Ala236Thr) is a missense variant that results in the substitution of alanine with threonine. This variant is rare in population databases. Computational prediction algorithms are consistent with a benign effect. The currently available literature and clinical evidence are not sufficient to establish a definitive association between this variant and the reported condition. Therefore, this variant is classified as a variant of uncertain significance.

Ambry Genetics
Classification: Likely benign. Last evaluated: 2024-01-12. Review status: criteria provided, single submitter. Criteria: Ambry Variant Classification Scheme 2023. Collection method: clinical testing. Allele origin: germline.